The following is an entry in ClinVar:

NM_032816.5(CEP89):c.1364A>G (p.His455Arg)

Gene: CEP89 (centrosomal protein 89; minus strand). Cytogenetic location: 19q13.11.
Variant type: single nucleotide variant.
Coding change: c.1364A>G on transcript NM_032816.5 (MANE Select); coding-DNA position 1364, A replaced by G.
Protein change: p.His455Arg; replaces histidine 455 with arginine.
Molecular consequence: missense variant.
Genome position (GRCh38, 1-based): chr19:32,918,244, T>C on the plus strand (A>G on the coding strand, the complement: CEP89 is on the minus strand). VCF-style: chr19-32918244-T-C. GRCh37 (hg19) VCF-style: chr19-33409150-T-C.
Other names: short protein forms H455R.
Identifiers: ClinVar variation 4721704 (VCV004721704.1).

ClinVar aggregate classification (germline): Uncertain significance (1 of 4 stars; one submission).

Submission:

Labcorp Genetics (formerly Invitae), Labcorp
Classification: Uncertain significance. Last evaluated: 2025-06-18. Review status: criteria provided, single submitter. Criteria: Invitae Variant Classification Sherloc (09022015). Collection method: clinical testing. Allele origin: germline.
Comment: This sequence change replaces histidine, which is basic and polar, with arginine, which is basic and polar, at codon 455 of the CEP89 protein (p.His455Arg). This variant is not present in population databases (gnomAD no frequency). This variant has not been reported in the literature in individuals affected with CEP89-related conditions. An algorithm developed to predict the effect of missense changes on protein structure and function (PolyPhen-2) suggests that this variant is likely to be tolerated. In summary, the available evidence is currently insufficient to determine the role of this variant in disease. Therefore, it has been classified as a Variant of Uncertain Significance.